The following is an entry in ClinVar:

ClinVar aggregate classification (germline): Likely benign. Review status: criteria provided, multiple submitters, no conflicts (2 of 4 stars). 2 submissions from 2 submitters: Likely benign (2). Last evaluated 2017-04-27.

Conditions:
Intellectual developmental disorder, autosomal recessive 1. Also called: Intellectual disability, autosomal recessive 1; MENTAL RETARDATION, AUTOSOMAL RECESSIVE 1. Identifiers: Orphanet 88616, MedGen C1855304, MONDO:0009580, OMIM 249500.

Allele frequency attached by ClinVar (database versions not stated): gnomAD 0.11039 and 0.11369; TOPMed 0.09654; 1000 Genomes Project 30x 0.09104; 1000 Genomes Project 0.09585.

Submissions (2):

Illumina Laboratory Services, Illumina
Classification: Likely benign for Intellectual developmental disorder, autosomal recessive 1. Last evaluated: 2017-04-27. Review status: criteria provided, single submitter. Criteria: ICSL Variant Classification Criteria 13 December 2019. Collection method: clinical testing. Allele origin: germline.
Comment: This variant was observed as part of a predisposition screen in an ostensibly healthy population. A literature search was performed for the gene, cDNA change, and amino acid change (where applicable). No publications were found based on this search. Allele frequency data from public databases allowed determination this variant is unlikely to cause disease. Therefore, this variant is classified as likely benign.

Breakthrough Genomics
Classification: Likely benign. Review status: criteria provided, single submitter. Criteria: ACMG Guidelines, 2015. Collection method: not provided. Allele origin: germline. Inheritance: Autosomal recessive inheritance. Affected: yes.

NM_003619.4(PRSS12):c.*1504G>A

Gene: PRSS12 (serine protease 12; minus strand). Cytogenetic location: 4q26.
Variant type: single nucleotide variant.
Coding change: c.*1504G>A on transcript NM_003619.4 (MANE Select); 1504 bases downstream of the stop codon, G replaced by A.
Molecular consequence: 3 prime UTR variant.
Genome position (GRCh38, 1-based): chr4:118,280,432, C>T on the plus strand (G>A on the coding strand, the complement: PRSS12 is on the minus strand). VCF-style: chr4-118280432-C-T. GRCh37 (hg19) VCF-style: chr4-119201587-C-T.
Identifiers: ClinVar variation 347374 (VCV000347374.6), dbSNP rs1045817, ClinGen allele CA10617823.